The following is an entry in ClinVar:

NM_021930.6(RINT1):c.758G>A (p.Gly253Asp)

Gene: RINT1 (RAD50 interactor 1; plus strand). Cytogenetic location: 7q22.3.
Variant type: single nucleotide variant.
Coding change: c.758G>A on transcript NM_021930.6 (MANE Select); coding-DNA position 758, G replaced by A.
Protein change: p.Gly253Asp; replaces glycine 253 with aspartic acid.
Molecular consequence: missense variant. On other transcripts: 5 prime UTR variant (2), non-coding transcript variant (1), intron variant (1).
Genome position (GRCh38, 1-based): chr7:105,547,252, G>A. VCF-style: chr7-105547252-G-A. GRCh37 (hg19) VCF-style: chr7-105187699-G-A.
Other names: c.524G>A, p.Gly175Asp (NM_001346599.2); c.-262G>A (NM_001346600.2); c.-165G>A (NM_001346601.2); c.-27-2803G>A (NM_001346603.2); short protein forms G253D, G175D.
Identifiers: ClinVar variation 3314424 (VCV003314424.1).

ClinVar aggregate classification (germline): Uncertain significance (1 of 4 stars; one submission).

gnomAD v4.1: 1 of 1,614,148 alleles (0.000062%); highest among the groups gnomAD compares: South Asian, 0.0011%; no homozygotes.

Submission:

Ambry Genetics
Classification: Uncertain significance. Last evaluated: 2024-05-16. Review status: criteria provided, single submitter. Criteria: Ambry Variant Classification Scheme 2023. Collection method: clinical testing. Allele origin: germline.
Comment: The p.G253D variant (also known as c.758G>A), located in coding exon 6 of the RINT1 gene, results from a G to A substitution at nucleotide position 758. The glycine at codon 253 is replaced by aspartic acid, an amino acid with similar properties. This amino acid position is conserved. In addition, this alteration is predicted to be tolerated by in silico analysis. Based on the available evidence, the clinical significance of this variant remains unclear.